The following is an entry in ClinVar:

NM_001134771.2(SLC12A5):c.121+1058GGA[16]

Gene: SLC12A5 (solute carrier family 12 member 5; plus strand). Cytogenetic location: 20q13.12.
Variant type: Microsatellite.
Coding change: c.121+1058GGA[16] on transcript NM_001134771.2; 16 copies in a row of the 3-base unit GGA starting at c.121+1058; the reference has 11 copies in a row; five copies, 15 bases duplicated.
Molecular consequence: intron variant.
Genome position (GRCh38, 1-based): chr20:46,022,962-46,022,976, GGAGGAGGAGGAGGA duplicated; duplicating any 15 consecutive bases within chr20:46,022,944-46,022,976 gives the same sequence; the position shown is the placement nearest the transcript's 3' end. VCF-style (leftmost placement, unchanged base first): chr20-46022943-G-GGGAGGAGGAGGAGGA. GRCh37 (hg19) VCF-style: chr20-44651582-G-GGGAGGAGGAGGAGGA.
Identifiers: ClinVar variation 2652359 (VCV002652359.23), dbSNP rs34923327, ClinGen allele CA744849594.

ClinVar aggregate classification (germline): Likely benign. Review status: criteria provided, multiple submitters, no conflicts (2 of 4 stars). 2 submissions from 2 submitters: Likely benign (2). Last evaluated 2025-02-16.

Submissions (2):

Laboratory of Genetics, Children's Clinical University Hospital Latvia
Classification: Likely benign. Last evaluated: 2025-02-16. Review status: criteria provided, single submitter. Criteria: ACMG Guidelines, 2015. Collection method: clinical testing. Allele origin: germline. Affected: yes.

CeGaT Center for Human Genetics Tuebingen
Classification: Likely benign. Last evaluated: 2023-03-01. Review status: criteria provided, single submitter. Criteria: CeGaT Center For Human Genetics Tuebingen Variant Classification Criteria Version 2. Collection method: clinical testing. Allele origin: germline. Affected: yes. Observed: 1 variant allele.
Comment: SLC12A5: BS2